The following is an entry in ClinVar:

NC_012920.1(MT-ATP6):m.8993_8994inv

Gene: MT-ATP6 (mitochondrially encoded ATP synthase 6; plus strand).
Variant type: Inversion.
Genome position: chrM-8993-TG-CA.
Identifiers: ClinVar variation 693047 (VCV000693047.2), ClinGen allele CA915952057.

ClinVar aggregate classification (germline): Likely pathogenic. Review status: reviewed by expert panel (3 of 4 stars). 2 submissions from 2 submitters: Likely pathogenic (1). 1 of the submissions does not count toward it. Last evaluated 2024-08-27.

Conditions:
Mitochondrial disease. Also called: Mitochondrial disorder; Mitochondrial disorders. Identifiers: Orphanet 68380, MedGen C0751651, MeSH D028361, MONDO:0044970.
NARP syndrome. Also called: NEUROPATHY, ATAXIA, AND RETINITIS PIGMENTOSA; NARP. Identifiers: Orphanet 644, MedGen C1328349, MONDO:0010794, OMIM 551500.

Submissions (2):

ClinGen Mitochondrial Disease Nuclear and Mitochondrial  Variant Curation Expert Panel, ClinGen
Classification: Likely pathogenic for Mitochondrial disease. Last evaluated: 2024-08-27. Review status: reviewed by expert panel. Criteria: clingen mito disease acmg specifications v1-1. Collection method: curation. Allele origin: germline. Inheritance: Mitochondrial inheritance.
Comment: The m.8993_8994delinsCA (p.Leu156Pro) variant in MT-ATP6 has been reported in one individual with primary mitochondrial disease (PMID: 32652755). This individual had myopathy and developmental delay. The variant was present at near homoplasmy in blood and was not detected in the asymptomatic mother (PMID: 32652755, PM6_supporting). This variant results in the same amino acid change, p.Leu156Pro, as the pathogenic variant m.8993T>C (PS1). This variant is absent in the GenBank dataset, Helix dataset, and gnomAD v3.1.2 (PM2_supporting). In summary, this variant meets criteria to be classified as likely pathogenic for primary mitochondrial disease inherited in a mitochondrial manner. This classification was approved by the NICHD/NINDS U24 ClinGen Mitochondrial Disease Variant Curation Expert Panel on August 27, 2024. Mitochondrial DNA-specific ACMG/AMP criteria applied (PMID: 32906214): PM2_supporting, PS1, PM6_supporting.

Wong Mito Lab, Molecular and Human Genetics, Baylor College of Medicine
Classification: Pathogenic for NARP syndrome. Last evaluated: 2019-10-17. Review status: criteria provided, single submitter. Criteria: Modified ACMG Guidelines (Unpublished). Collection method: clinical testing. Allele origin: germline. Not counted in ClinVar's aggregate classification.
Comment: The NC_012920.1:m.8993_8994inv (YP_003024031.1:p.Leu156Pro) variant in MTATP6 gene is interpretated to be a Pathogenic variant based on the modified ACMG guidelines (unpublished). This variant meets the following evidence codes: PS1, PM2, PM9, PP4, PP6